The following is an entry in ClinVar:

NM_002457.5(MUC2):c.4209T>G (p.Thr1403=)

Gene: MUC2 (mucin 2, oligomeric mucus/gel-forming; plus strand). Cytogenetic location: 11p15.5.
Variant type: single nucleotide variant.
Coding change: c.4209T>G on transcript NM_002457.5 (MANE Select); coding-DNA position 4209, T replaced by G.
Protein change: p.Thr1403=; no amino-acid change (threonine 1403 retained).
Molecular consequence: synonymous variant.
Genome position (GRCh38, 1-based): chr11:1,094,452, T>G. VCF-style: chr11-1094452-T-G. GRCh37 (hg19) VCF-style: chr11-1092390-T-G.
Identifiers: ClinVar variation 3234340 (VCV003234340.20), dbSNP rs903498479, ClinGen allele CA472378071.

ClinVar aggregate classification (germline): Likely benign (1 of 4 stars; one submission).

Allele frequency attached by ClinVar (database versions not stated): 1000 Genomes Project 30x 0.00172.

Submission:

CeGaT Center for Human Genetics Tuebingen
Classification: Likely benign. Last evaluated: 2024-04-01. Review status: criteria provided, single submitter. Criteria: CeGaT Center For Human Genetics Tuebingen Variant Classification Criteria Version 2. Collection method: clinical testing. Allele origin: germline. Affected: yes. Observed: 2 variant alleles.
Comment: MUC2: BP4, BP7